The following is an entry in ClinVar:

ClinVar aggregate classification (germline): Uncertain significance (1 of 4 stars; one submission).

Conditions:
Charcot-Marie-Tooth disease dominant intermediate E. Also called: CHARCOT-MARIE-TOOTH NEUROPATHY WITH FOCAL SEGMENTAL GLOMERULONEPHRITIS. Identifiers: Orphanet 93114, MedGen C4302667, MONDO:0013758, OMIM 614455.
Focal segmental glomerulosclerosis 5 (FSGS5). Identifiers: Orphanet 656, MedGen C2750475, MONDO:0013191, OMIM 613237.

Submission:

Labcorp Genetics (formerly Invitae), Labcorp
Classification: Uncertain significance for Charcot-Marie-Tooth disease dominant intermediate E; Focal segmental glomerulosclerosis 5. Last evaluated: 2023-11-03. Review status: criteria provided, single submitter. Criteria: Invitae Variant Classification Sherloc (09022015). Collection method: clinical testing. Allele origin: germline.
Comment: A gross deletion of the genomic region encompassing the full coding sequence of the INF2 gene has been identified. The current clinical and genetic evidence is not sufficient to establish whether loss-of-function variants in INF2 cause disease. The boundaries of this event are unknown as they extend beyond the assayed region for this gene and therefore may encompass additional genes. This variant has not been reported in the literature in individuals affected with INF2-related conditions. In summary, the available evidence is currently insufficient to determine the role of this variant in disease. Therefore, it has been classified as a Variant of Uncertain Significance.

NC_000014.8:g.(?_105167703)_(105861009_?)del

Genes: PLD4 (phospholipase D family member 4; plus strand), AKT1 (AKT serine/threonine kinase 1; minus strand), CLBA1 (clathrin binding box of aftiphilin containing 1; plus strand), JAG2 (jagged canonical Notch ligand 2; minus strand), ZBTB42 (zinc finger and BTB domain containing 42; plus strand) and 11 more. Cytogenetic location: 14q32.33.
Variant type: Deletion.
Identifiers: ClinVar variation 2426765 (VCV002426765.4).